The following is an entry in ClinVar:

ClinVar aggregate classification (germline): Likely benign. Review status: criteria provided, multiple submitters, no conflicts (2 of 4 stars). 3 submissions from 3 submitters: Likely benign (3). Last evaluated 2025-11-01.

Allele frequency attached by ClinVar (database versions not stated): 1000 Genomes Project 30x 0.00109; 1000 Genomes Project 0.00140; TOPMed 0.00354; gnomAD exomes 0.00379; ExAC 0.00397; gnomAD 0.00412; ESP Exome Variant Server 0.00423.
gnomAD v4.1: 7,708 of 1,613,978 alleles (0.48%); highest among the groups gnomAD compares: Non-Finnish European, 0.56%; 26 homozygotes.

Submissions (3):

CeGaT Center for Human Genetics Tuebingen
Classification: Likely benign. Last evaluated: 2025-11-01. Review status: criteria provided, single submitter. Criteria: CeGaT Center For Human Genetics Tuebingen Variant Classification Criteria Version 2. Collection method: clinical testing. Allele origin: germline. Affected: yes. Observed: 2 variant alleles.
Comment: LTK: BS2

Labcorp Genetics (formerly Invitae), Labcorp
Classification: Likely benign. Last evaluated: 2018-08-15. Review status: criteria provided, single submitter. Criteria: Invitae Variant Classification Sherloc (09022015). Collection method: clinical testing. Allele origin: germline.

Breakthrough Genomics
Classification: Likely benign. Review status: criteria provided, single submitter. Criteria: ACMG Guidelines, 2015. Collection method: not provided. Allele origin: germline. Inheritance: Unknown mechanism. Affected: yes.

NM_002344.6(LTK):c.2437G>T (p.Glu813Ter)

Gene: LTK (leukocyte receptor tyrosine kinase; minus strand). Cytogenetic location: 15q15.1.
Variant type: single nucleotide variant.
Coding change: c.2437G>T on transcript NM_002344.6 (MANE Select); coding-DNA position 2437, G replaced by T.
Protein change: p.Glu813Ter; replaces glutamic acid 813 with a stop codon.
Molecular consequence: nonsense.
Genome position (GRCh38, 1-based): chr15:41,504,154, C>A on the plus strand (G>T on the coding strand, the complement: LTK is on the minus strand). VCF-style: chr15-41504154-C-A. GRCh37 (hg19) VCF-style: chr15-41796352-C-A.
Other names: c.2047G>T, p.Glu683Ter (NM_001135685.2); c.2254G>T, p.Glu752Ter (NM_206961.4); short protein forms E752*, E683*, E813*.
Identifiers: ClinVar variation 789531 (VCV000789531.11), dbSNP rs148281714, ClinGen allele CA7492297.